The following is an entry in ClinVar:

ClinVar aggregate classification (germline): Pathogenic (1 of 4 stars; one submission).

Conditions:
Temtamy syndrome (TEMTYS). Also called: MENTAL RETARDATION WITH OR WITHOUT CRANIOFACIAL DYSMORPHISM, OCULAR COLOBOMA, OR ABNORMAL CORPUS CALLOSUM. Identifiers: Orphanet 1777, MedGen C1857512, MONDO:0009033, OMIM 218340.

Allele frequency attached by ClinVar (database versions not stated): ExAC 0.00001; gnomAD 0.00001; TOPMed 0.00001.

Submission:

Labcorp Genetics (formerly Invitae), Labcorp
Classification: Pathogenic for Temtamy syndrome. Last evaluated: 2022-11-08. Review status: criteria provided, single submitter. Criteria: Invitae Variant Classification Sherloc (09022015). Collection method: clinical testing. Allele origin: germline.
Comment: For these reasons, this variant has been classified as Pathogenic. This variant has not been reported in the literature in individuals affected with C12orf57-related conditions. This variant is present in population databases (rs782502903, gnomAD no frequency). This sequence change creates a premature translational stop signal (p.Gln7*) in the C12orf57 gene. It is expected to result in an absent or disrupted protein product. Loss-of-function variants in C12orf57 are known to be pathogenic (PMID: 23453665, 24798461).

Literature cited by the submitters: PubMed 23453665; PubMed 24798461.

NM_138425.4(C12orf57):c.19C>T (p.Gln7Ter)

Gene: C12orf57 (chromosome 12 open reading frame 57; plus strand). Cytogenetic location: 12p13.31.
Variant type: single nucleotide variant.
Coding change: c.19C>T on transcript NM_138425.4 (MANE Select); coding-DNA position 19, C replaced by T.
Protein change: p.Gln7Ter; replaces glutamine 7 with a stop codon.
Molecular consequence: nonsense. On other transcripts: 5 prime UTR variant (1), non-coding transcript variant (1), intron variant (1).
Genome position (GRCh38, 1-based): chr12:6,944,140, C>T. VCF-style: chr12-6944140-C-T. GRCh37 (hg19) VCF-style: chr12-7053303-C-T.
Other names: c.19C>T, p.Gln7Ter (NM_001301834.1, NM_001301837.2); c.-183C>T (NM_001301838.2); c.14-336C>T (NM_001301836.2); short protein forms Q7*.
Identifiers: ClinVar variation 1964294 (VCV001964294.5), dbSNP rs782502903, ClinGen allele CA6421174.